The following is an entry in ClinVar:

ClinVar aggregate classification (germline): Likely pathogenic (1 of 4 stars; one submission).

Conditions:
HPS1-related disorder. Also called: HPS1-related condition.

Submission:

PreventionGenetics, part of Exact Sciences
Classification: Likely pathogenic for HPS1-related condition. Last evaluated: 2025-04-17. Review status: criteria provided, single submitter. Criteria: ACMG Guidelines, 2015. Collection method: clinical testing. Allele origin: germline.
Comment: The HPS1 c.361_362delinsTA variant is predicted to result in premature protein termination (p.Gly121*). To our knowledge, this variant has not been reported in the literature or in a large population database (gnomAD), indicating this variant is rare. Nonsense variants in HPS1 are expected to be pathogenic. This variant is interpreted as likely pathogenic.

NM_000195.5(HPS1):c.361_362delinsTA (p.Gly121Ter)

Gene: HPS1 (HPS1 biogenesis of lysosomal organelles complex 3 subunit 1; minus strand). Cytogenetic location: 10q24.2.
Variant type: Indel.
Coding change: c.361_362delinsTA on transcript NM_000195.5 (MANE Select); coding-DNA positions 361 to 362, GG replaced by TA.
Protein change: p.Gly121Ter; replaces glycine 121 with a stop codon.
Molecular consequence: nonsense. On other transcripts: 5 prime UTR variant (2), intron variant (7).
Genome position (GRCh38, 1-based): chr10:98,435,308-98,435,309, CC replaced by TA on the plus strand (GG replaced by TA on the coding strand, the reverse complement: HPS1 is on the minus strand). VCF-style: chr10-98435308-CC-TA. GRCh37 (hg19) VCF-style: chr10-100195065-CC-TA.
Other names: c.-556_-555delinsTA (NM_001311345.2); c.361_362delinsTA, p.Gly121Ter (NM_001322476.2, NM_001322477.2, NM_001322478.2 and 5 more transcripts); c.-655_-654delinsTA (NM_001322487.2); c.29+326_29+327delinsTA (NM_001322483.2, NM_001322485.2, NM_001322484.2); c.255+326_255+327delinsTA (NM_001322480.2, NM_001322482.2, NM_001322481.2); c.-519+326_-519+327delinsTA (NM_001322489.2); short protein forms G121*.
Identifiers: ClinVar variation 5002347 (VCV005002347.1).